The following is an entry in ClinVar:

NM_014846.4(WASHC5):c.2016+6G>C

Gene: WASHC5 (WASH complex subunit 5; minus strand). Cytogenetic location: 8q24.13.
Variant type: single nucleotide variant.
Coding change: c.2016+6G>C on transcript NM_014846.4 (MANE Select); 6 bases into the intron after coding-DNA position 2016, G replaced by C.
Molecular consequence: intron variant.
Genome position (GRCh38, 1-based): chr8:125,056,671, C>G on the plus strand (G>C on the coding strand, the complement: WASHC5 is on the minus strand). VCF-style: chr8-125056671-C-G. GRCh37 (hg19) VCF-style: chr8-126068913-C-G.
Other names: c.1572+6G>C (NM_001330609.2).
Identifiers: ClinVar variation 3762846 (VCV003762846.2).

ClinVar aggregate classification (germline): Uncertain significance (1 of 4 stars; one submission).

Conditions:
Ritscher-Schinzel syndrome. Also called: CRANIOCEREBELLOCARDIAC DYSPLASIA. Identifiers: Orphanet 7, MedGen C0796137, MONDO:0019078.
Hereditary spastic paraplegia 8 (SPG8). Also called: SPASTIC PARAPLEGIA 8, AUTOSOMAL DOMINANT. Identifiers: Orphanet 100989, MedGen C1863704, MONDO:0011339, OMIM 603563.

Submission:

Labcorp Genetics (formerly Invitae), Labcorp
Classification: Uncertain significance for Ritscher-Schinzel syndrome; Hereditary spastic paraplegia 8. Last evaluated: 2024-01-28. Review status: criteria provided, single submitter. Criteria: Invitae Variant Classification Sherloc (09022015). Collection method: clinical testing. Allele origin: germline.
Comment: This sequence change falls in intron 16 of the WASHC5 gene. It does not directly change the encoded amino acid sequence of the WASHC5 protein. It affects a nucleotide within the consensus splice site. This variant is not present in population databases (gnomAD no frequency). This variant has not been reported in the literature in individuals affected with WASHC5-related conditions. Variants that disrupt the consensus splice site are a relatively common cause of aberrant splicing (PMID: 17576681, 9536098). Algorithms developed to predict the effect of sequence changes on RNA splicing suggest that this variant is not likely to affect RNA splicing. In summary, the available evidence is currently insufficient to determine the role of this variant in disease. Therefore, it has been classified as a Variant of Uncertain Significance.

Literature cited by the submitters: PubMed 17576681; PubMed 9536098.